The following is an entry in ClinVar:

NM_003072.5(SMARCA4):c.4877T>C (p.Val1626Ala)

Gene: SMARCA4 (SWI/SNF related BAF chromatin remodeling complex subunit ATPase 4; plus strand). Cytogenetic location: 19p13.2.
Variant type: single nucleotide variant.
Coding change: c.4877T>C on transcript NM_003072.5 (MANE Select); coding-DNA position 4877, T replaced by C.
Protein change: p.Val1626Ala; replaces valine 1626 with alanine.
Molecular consequence: missense variant. On other transcripts: non-coding transcript variant (1).
Genome position (GRCh38, 1-based): chr19:11,060,153, T>C. VCF-style: chr19-11060153-T-C. GRCh37 (hg19) VCF-style: chr19-11170829-T-C.
Other names: c.4877T>C, p.Val1626Ala (NM_001128844.3); c.4787T>C, p.Val1596Ala (NM_001128845.2); c.4784T>C, p.Val1595Ala (NM_001128846.2); c.4778T>C, p.Val1593Ala (NM_001128847.4, NM_001374457.1); c.4775T>C, p.Val1592Ala (NM_001128848.2); c.4973T>C, p.Val1658Ala (NM_001128849.3); short protein forms V1593A, V1658A, V1596A, V1595A, V1592A, V1626A.
Identifiers: ClinVar variation 846312 (VCV000846312.9), dbSNP rs2076781393, ClinGen allele CA404080873.

ClinVar aggregate classification (germline): Uncertain significance (1 of 4 stars; one submission).

Conditions:
Rhabdoid tumor predisposition syndrome 2 (RTPS2). Identifiers: Orphanet 231108, Orphanet 69077, MedGen C2750074, MONDO:0013224, OMIM 613325.

Submission:

Labcorp Genetics (formerly Invitae), Labcorp
Classification: Uncertain significance for Rhabdoid tumor predisposition syndrome 2. Last evaluated: 2019-03-06. Review status: criteria provided, single submitter. Criteria: Invitae Variant Classification Sherloc (09022015). Collection method: clinical testing. Allele origin: germline.
Comment: Algorithms developed to predict the effect of missense changes on protein structure and function are either unavailable or do not agree on the potential impact of this missense change (SIFT: "Deleterious"; PolyPhen-2: "Benign"; Align-GVGD: "Class C25"). In summary, the available evidence is currently insufficient to determine the role of this variant in disease. Therefore, it has been classified as a Variant of Uncertain Significance. This variant has not been reported in the literature in individuals with SMARCA4-related conditions. This variant is not present in population databases (ExAC no frequency). This sequence change replaces valine with alanine at codon 1658 of the SMARCA4 protein (p.Val1658Ala). The valine residue is highly conserved and there is a small physicochemical difference between valine and alanine.